The following is an entry in ClinVar:

NM_001999.4(FBN2):c.8528_8529delinsTT (p.Ser2843Ile)

Gene: FBN2 (fibrillin 2; minus strand). Cytogenetic location: 5q23.3.
Variant type: Indel.
Coding change: c.8528_8529delinsTT on transcript NM_001999.4 (MANE Select); coding-DNA positions 8528 to 8529, GC replaced by TT.
Protein change: p.Ser2843Ile; replaces serine 2843 with isoleucine.
Molecular consequence: missense variant.
Genome position (GRCh38, 1-based): chr5:128,259,665-128,259,666, GC replaced by AA on the plus strand (GC replaced by TT on the coding strand, the reverse complement: FBN2 is on the minus strand). VCF-style: chr5-128259665-GC-AA. GRCh37 (hg19) VCF-style: chr5-127595357-GC-AA.
Other names: short protein forms S2843I.
Identifiers: ClinVar variation 1379221 (VCV001379221.8), dbSNP rs2126791814, ClinGen allele CA2573138890.
Genomic context (GRCh38, chr5:128,259,665, plus strand): 5'-GAGCTTCTTCTTGGCCGTGTGCAAGTAGCTGAGCCCATTCCTTTGGTGGATGCGGAAGAC[GC>AA]TGTCATCGTTCCCTTGAGAGATGACATAACGGATGTGGTTGTTGAGGGGCTGGATGGCGG-3'
Protein context (NP_001990.2, residues 2833-2853): RYVISQGNDD[Ser2843Ile]VFRIHQRNGL

ClinVar aggregate classification (germline): Uncertain significance (1 of 4 stars; one submission).

Conditions:
Congenital contractural arachnodactyly (CCA). Also called: Beals-Hecht syndrome; Arthrogryposis, distal, type 9; BEALS SYNDROME. Identifiers: Orphanet 115, MedGen C0220668, MONDO:0007363, OMIM 121050.

Submission:

Labcorp Genetics (formerly Invitae), Labcorp
Classification: Uncertain significance for Congenital contractural arachnodactyly. Last evaluated: 2021-03-16. Review status: criteria provided, single submitter. Criteria: Invitae Variant Classification Sherloc (09022015). Collection method: clinical testing. Allele origin: germline.
Comment: The frequency data for this variant in the population databases is not available, as this variant may be reported as separate entries in the ExAC database. This variant has not been reported in the literature in individuals with FBN2-related conditions. Algorithms developed to predict the effect of missense changes on protein structure and function are either unavailable or do not agree on the potential impact of this missense change (SIFT: "Not Available"; PolyPhen-2: "Benign"; Align-GVGD: "Not Available"). In summary, the available evidence is currently insufficient to determine the role of this variant in disease. Therefore, it has been classified as a Variant of Uncertain Significance. This sequence change replaces serine with isoleucine at codon 2843 of the FBN2 protein (p.Ser2843Ile). The serine residue is weakly conserved and there is a large physicochemical difference between serine and isoleucine.